The following is an entry in ClinVar:

NM_000814.6(GABRB3):c.1286G>A (p.Arg429Gln)

Gene: GABRB3 (gamma-aminobutyric acid type A receptor subunit beta3; minus strand). Cytogenetic location: 15q12.
Variant type: single nucleotide variant.
Coding change: c.1286G>A on transcript NM_000814.6 (MANE Select); coding-DNA position 1286, G replaced by A.
Protein change: p.Arg429Gln; replaces arginine 429 with glutamine.
Molecular consequence: missense variant.
Genome position (GRCh38, 1-based): chr15:26,547,929, C>T on the plus strand (G>A on the coding strand, the complement: GABRB3 is on the minus strand). VCF-style: chr15-26547929-C-T. GRCh37 (hg19) VCF-style: chr15-26793076-C-T.
Other names: c.1031G>A, p.Arg344Gln (NM_001191320.2, NM_001278631.2); c.1073G>A, p.Arg358Gln (NM_001191321.3); c.1286G>A, p.Arg429Gln (NM_021912.5); short protein forms R344Q, R358Q, R429Q.
Identifiers: ClinVar variation 1678800 (VCV001678800.7), dbSNP rs777882335, ClinGen allele CA7437271.

ClinVar aggregate classification (germline): Conflicting classifications of pathogenicity. Review status: criteria provided, conflicting classifications (1 of 4 stars). 2 submissions from 2 submitters: Uncertain significance (1); Likely benign (1). Last evaluated 2025-10-07.

Conditions:
Epilepsy, childhood absence, susceptibility to, 5. Identifiers: Orphanet 64280, MedGen C2677087, MONDO:0012843, OMIM 612269.
Epilepsy, childhood absence, susceptibility to, 1. Also called: Epilepsy, childhood absence 1. Identifiers: Orphanet 64280, MedGen C1838604, MONDO:0020759, OMIM 600131.

Allele frequency attached by ClinVar (database versions not stated): ExAC 0.00001; gnomAD exomes 0.00001 and 0.00002; gnomAD 0.00001; TOPMed 0.00001.
gnomAD v4.1: 31 of 1,614,006 alleles (0.0019%); highest among the groups gnomAD compares: Non-Finnish European, 0.0026%; no homozygotes.

Submissions (2):

Labcorp Genetics (formerly Invitae), Labcorp
Classification: Uncertain significance for Epilepsy, childhood absence, susceptibility to, 5; Epilepsy, childhood absence, susceptibility to, 1. Last evaluated: 2025-10-07. Review status: criteria provided, single submitter. Criteria: Invitae Variant Classification Sherloc (09022015). Collection method: clinical testing. Allele origin: germline.
Comment: This sequence change replaces arginine, which is basic and polar, with glutamine, which is neutral and polar, at codon 429 of the GABRB3 protein (p.Arg429Gln). This variant is present in population databases (rs777882335, gnomAD 0.003%). This missense change has been observed in individual(s) with generalized epilepsy with febrile seizures plus (PMID: 28053010). ClinVar contains an entry for this variant (Variation ID: 1678800). Invitae Evidence Modeling of protein sequence and biophysical properties (such as structural, functional, and spatial information, amino acid conservation, physicochemical variation, residue mobility, and thermodynamic stability) indicates that this missense variant is not expected to disrupt GABRB3 protein function with a negative predictive value of 95%. Experimental studies are conflicting or provide insufficient evidence to determine the effect of this variant on GABRB3 function (PMID: 28053010). In summary, the available evidence is currently insufficient to determine the role of this variant in disease. Therefore, it has been classified as a Variant of Uncertain Significance.

GeneDx
Classification: Likely benign. Last evaluated: 2019-12-23. Review status: criteria provided, single submitter. Criteria: GeneDx Variant Classification Process June 2021. Collection method: clinical testing. Allele origin: germline. Affected: yes.
Comment: See Variant Classification Assertion Criteria.

Literature cited by the submitters: PubMed 28053010 (cited by Labcorp Genetics (formerly Invitae), Labcorp).